The following is an entry in ClinVar:

ClinVar aggregate classification (germline): Uncertain significance. Review status: criteria provided, multiple submitters, no conflicts (2 of 4 stars). 2 submissions from 2 submitters: Uncertain significance (2). Last evaluated 2024-05-30.

Conditions:
Hereditary cancer-predisposing syndrome. Also called: Tumor predisposition; Neoplastic Syndromes, Hereditary; Hereditary neoplastic syndrome; Hereditary Cancer Syndrome. Identifiers: Orphanet 140162, MedGen C0027672, MeSH D009386, MONDO:0015356.

Submissions (2):

Ambry Genetics
Classification: Uncertain significance for Hereditary cancer-predisposing syndrome. Last evaluated: 2024-05-30. Review status: criteria provided, single submitter. Criteria: Ambry Variant Classification Scheme 2023. Collection method: clinical testing. Allele origin: germline.
Comment: The p.T121A variant (also known as c.361A>G), located in coding exon 3 of the RAD50 gene, results from an A to G substitution at nucleotide position 361. The threonine at codon 121 is replaced by alanine, an amino acid with similar properties. This amino acid position is conserved. In addition, this alteration is predicted to be tolerated by in silico analysis. Since supporting evidence is limited at this time, the clinical significance of this alteration remains unclear.

Labcorp Genetics (formerly Invitae), Labcorp
Classification: Uncertain significance for Hereditary cancer-predisposing syndrome. Last evaluated: 2021-03-17. Review status: criteria provided, single submitter. Criteria: Invitae Variant Classification Sherloc (09022015). Collection method: clinical testing. Allele origin: germline.
Comment: This sequence change replaces threonine with alanine at codon 121 of the RAD50 protein (p.Thr121Ala). The threonine residue is weakly conserved and there is a small physicochemical difference between threonine and alanine. This variant is not present in population databases (ExAC no frequency). In summary, the available evidence is currently insufficient to determine the role of this variant in disease. Therefore, it has been classified as a Variant of Uncertain Significance. Algorithms developed to predict the effect of missense changes on protein structure and function (SIFT, PolyPhen-2, Align-GVGD) all suggest that this variant is likely to be tolerated, but these predictions have not been confirmed by published functional studies and their clinical significance is uncertain. This variant has not been reported in the literature in individuals with RAD50-related conditions.

NM_005732.4(RAD50):c.361A>G (p.Thr121Ala)

Gene: RAD50 (RAD50 double strand break repair protein; plus strand). Cytogenetic location: 5q31.1.
Variant type: single nucleotide variant.
Coding change: c.361A>G on transcript NM_005732.4 (MANE Select); coding-DNA position 361, A replaced by G.
Protein change: p.Thr121Ala; replaces threonine 121 with alanine.
Molecular consequence: missense variant.
Genome position (GRCh38, 1-based): chr5:132,575,924, A>G. VCF-style: chr5-132575924-A-G. GRCh37 (hg19) VCF-style: chr5-131911616-A-G.
Other names: short protein forms T121A.
Identifiers: ClinVar variation 1517203 (VCV001517203.11), dbSNP rs2149836488, ClinGen allele CA360931495.
Genomic context (GRCh38, chr5:132,575,924, plus strand): 5'-GTGTGTACTCAGAAAAGCAAAAAGACAGAATTTAAAACTCTGGAAGGAGTCATTACTAGA[A>G]CAAAGTAGGTGTTTATATGATATTTGAATTTCTGTTCATTTTCAGTCTTTTAGGTCTGTA-3'
Protein context (NP_005723.2, residues 111-131): FKTLEGVITR[Thr121Ala]KHGEKVSLSS